The following is an entry in ClinVar:

ClinVar aggregate classification (germline): Uncertain significance (1 of 4 stars; one submission).

Conditions:
Ehlers-Danlos syndrome, kyphoscoliotic type 1 (EDSKSCL1). Also called: EHLERS-DANLOS SYNDROME, TYPE VIA; PLOD1-Related Kyphoscoliotic Ehlers-Danlos Syndrome; EHLERS-DANLOS SYNDROME, OCULAR-SCOLIOTIC TYPE; Ehlers-Danlos syndrome, hydroxylysine-deficient. Identifiers: Orphanet 1900, MedGen C0268342, MONDO:0016002, OMIM 225400. Disease mechanism: loss of function.

Allele frequency attached by ClinVar (database versions not stated): gnomAD exomes below 0.00001.
gnomAD v4.1: 1 of 1,613,780 alleles (0.000062%); highest among the groups gnomAD compares: Non-Finnish European, 0.000085%; no homozygotes.

Submission:

Labcorp Genetics (formerly Invitae), Labcorp
Classification: Uncertain significance for Ehlers-Danlos syndrome, kyphoscoliotic type 1. Last evaluated: 2021-06-22. Review status: criteria provided, single submitter. Criteria: Invitae Variant Classification Sherloc (09022015). Collection method: clinical testing. Allele origin: germline.
Comment: This variant has not been reported in the literature in individuals with PLOD1-related conditions. Algorithms developed to predict the effect of missense changes on protein structure and function output the following: SIFT: "Tolerated"; PolyPhen-2: "Benign"; Align-GVGD: "Class C0". The arginine amino acid residue is found in multiple mammalian species, suggesting that this missense change does not adversely affect protein function. These predictions have not been confirmed by published functional studies and their clinical significance is uncertain. Algorithms developed to predict the effect of sequence changes on RNA splicing suggest that this variant may create or strengthen a splice site, but this prediction has not been confirmed by published transcriptional studies. In summary, the available evidence is currently insufficient to determine the role of this variant in disease. Therefore, it has been classified as a Variant of Uncertain Significance. This variant is not present in population databases (ExAC no frequency). This sequence change replaces lysine with arginine at codon 185 of the PLOD1 protein (p.Lys185Arg). The lysine residue is moderately conserved and there is a small physicochemical difference between lysine and arginine.

NM_000302.4(PLOD1):c.554A>G (p.Lys185Arg)

Gene: PLOD1 (procollagen-lysine,2-oxoglutarate 5-dioxygenase 1; plus strand). Cytogenetic location: 1p36.22.
Variant type: single nucleotide variant.
Coding change: c.554A>G on transcript NM_000302.4 (MANE Select); coding-DNA position 554, A replaced by G.
Protein change: p.Lys185Arg; replaces lysine 185 with arginine.
Molecular consequence: missense variant.
Genome position (GRCh38, 1-based): chr1:11,952,710, A>G. VCF-style: chr1-11952710-A-G. GRCh37 (hg19) VCF-style: chr1-12012767-A-G.
Other names: c.695A>G, p.Lys232Arg (NM_001316320.2); short protein forms K185R, K232R.
Identifiers: ClinVar variation 1450183 (VCV001450183.8), dbSNP rs2100746537, ClinGen allele CA338428390.
Genomic context (GRCh38, chr1:11,952,710, plus strand): 5'-GCAAACTGGTGGCCGAGTGGGAGGGCCAGGACAGCGACAGCGATCAGCTGTTTTACACCA[A>G]GATCTTCTTGGACCCGGAGAAGAGGGTAAGAGGCAGTGGGCGGGCCAAGGAGAGGGGGCT-3'
Protein context (NP_000293.2, residues 175-195): DSDSDQLFYT[Lys185Arg]IFLDPEKREQ